The following is an entry in ClinVar:

NM_004064.5(CDKN1B):c.288A>C (p.Lys96Asn)

Gene: CDKN1B (cyclin dependent kinase inhibitor 1B; plus strand). Cytogenetic location: 12p13.1.
Variant type: single nucleotide variant.
Coding change: c.288A>C on transcript NM_004064.5 (MANE Select); coding-DNA position 288, A replaced by C.
Protein change: p.Lys96Asn; replaces lysine 96 with asparagine.
Molecular consequence: missense variant.
Genome position (GRCh38, 1-based): chr12:12,718,127, A>C. VCF-style: chr12-12718127-A-C. GRCh37 (hg19) VCF-style: chr12-12871061-A-C.
Other names: short protein forms K96N.
Identifiers: ClinVar variation 3489617 (VCV003489617.1).
Genomic context (GRCh38, chr12:12,718,127, plus strand): 5'-GCAAGAGGTGGAGAAGGGCAGCTTGCCCGAGTTCTACTACAGACCCCCGCGGCCCCCCAA[A>C]GGTGCCTGCAAGGTGCCGGCGCAGGAGAGCCAGGATGTCAGCGGGAGCCGCCCGGCGGCG-3'
Protein context (NP_004055.1, residues 86-106): EFYYRPPRPP[Lys96Asn]GACKVPAQES

ClinVar aggregate classification (germline): Uncertain significance (1 of 4 stars; one submission).

Conditions:
Hereditary cancer-predisposing syndrome. Also called: Tumor predisposition; Neoplastic Syndromes, Hereditary; Hereditary Cancer Syndrome; Hereditary neoplastic syndrome. Identifiers: Orphanet 140162, MedGen C0027672, MeSH D009386, MONDO:0015356.

Submission:

Ambry Genetics
Classification: Uncertain significance for Hereditary cancer-predisposing syndrome. Last evaluated: 2024-10-21. Review status: criteria provided, single submitter. Criteria: Ambry Variant Classification Scheme 2023. Collection method: clinical testing. Allele origin: germline.
Comment: The p.K96N variant (also known as c.288A>C), located in coding exon 1 of the CDKN1B gene, results from an A to C substitution at nucleotide position 288. The lysine at codon 96 is replaced by asparagine, an amino acid with similar properties. This amino acid position is conserved. In addition, this alteration is predicted to be tolerated by in silico analysis. Based on the available evidence, the clinical significance of this variant remains unclear.